The following is an entry in ClinVar:

NM_003238.6(TGFB2):c.990dup (p.Gly331fs)

Gene: TGFB2 (transforming growth factor beta 2; plus strand). Cytogenetic location: 1q41.
Variant type: Duplication.
Coding change: c.990dup on transcript NM_003238.6 (MANE Select); coding-DNA position 990, one base duplicated (A; older notation c.990dupA).
Protein change: p.Gly331fs; shifts the reading frame from glycine 331.
Molecular consequence: frameshift variant. On other transcripts: non-coding transcript variant (2).
Genome position (GRCh38, 1-based): chr1:218,437,400, A duplicated. VCF-style (leftmost placement, unchanged base first): chr1-218437399-T-TA. GRCh37 (hg19) VCF-style: chr1-218610741-T-TA.
Other names: c.990dup (NM_003238.3); c.1074dup, p.Gly359fs (NM_001135599.4); short protein forms G331fs, G359fs.
Identifiers: ClinVar variation 643407 (VCV000643407.13), dbSNP rs1571904218, ClinGen allele CA915942038.

ClinVar aggregate classification (germline): Pathogenic (1 of 4 stars; one submission).

Conditions:
Loeys-Dietz syndrome 4 (LDS4). Also called: TGFB2-Related Loeys-Dietz Syndrome; ANEURYSM, AORTIC AND CEREBRAL, WITH ARTERIAL TORTUOSITY AND SKELETAL MANIFESTATIONS. Identifiers: MedGen C3553762, MONDO:0013897, OMIM 614816.

Allele frequency attached by ClinVar (database versions not stated): gnomAD exomes below 0.00001.

Submission:

Labcorp Genetics (formerly Invitae), Labcorp
Classification: Pathogenic for Loeys-Dietz syndrome 4. Last evaluated: 2019-02-18. Review status: criteria provided, single submitter. Criteria: Invitae Variant Classification Sherloc (09022015). Collection method: clinical testing. Allele origin: germline.
Comment: For these reasons, this variant has been classified as Pathogenic. This variant disrupts the C-terminus of the TGFB2 protein. Other variant(s) that disrupt this region (p.Tyr341Cysfs*26, also known as p.Tyr369Cysfs*26) have been determined to be pathogenic (PMID: 22772368). This suggests that variants that disrupt this region of the protein are likely to be causative of disease. Experimental studies and prediction algorithms are not available for this variant, and the functional significance of the affected amino acid(s) is currently unknown. This variant has not been reported in the literature in individuals with TGFB2-related conditions. This variant is not present in population databases (ExAC no frequency). This sequence change results in a premature translational stop signal in the TGFB2 gene (p.Gly331Argfs*38). While this is not anticipated to result in nonsense mediated decay, it is expected to disrupt the last 84 amino acids of the TGFB2 protein.

Literature cited by the submitters: PubMed 22772368.